The following is an entry in ClinVar:

NM_005006.7(NDUFS1):c.2093-170G>T

Gene: NDUFS1 (NADH:ubiquinone oxidoreductase core subunit S1; minus strand). Cytogenetic location: 2q33.3.
Variant type: single nucleotide variant.
Coding change: c.2093-170G>T on transcript NM_005006.7 (MANE Select); 170 bases into the intron before coding-DNA position 2093, G replaced by T.
Molecular consequence: intron variant.
Genome position (GRCh38, 1-based): chr2:206,124,446, C>A on the plus strand (G>T on the coding strand, the complement: NDUFS1 is on the minus strand). VCF-style: chr2-206124446-C-A. GRCh37 (hg19) VCF-style: chr2-206989170-C-A.
Other names: c.1760-170G>T (NM_001199982.2); c.1922-170G>T (NM_001199983.2); c.1985-170G>T (NM_001199981.2); c.2135-170G>T (NM_001199984.2).
Identifiers: ClinVar variation 683068 (VCV000683068.1), dbSNP rs2045858, ClinGen allele CA11170614.

ClinVar aggregate classification (germline): Benign (1 of 4 stars; one submission).

Allele frequency attached by ClinVar (database versions not stated): 1000 Genomes Project 0.49101; 1000 Genomes Project 30x 0.50750; gnomAD 0.52400 and 0.53402; TOPMed 0.53142.

Submission:

GeneDx
Classification: Benign. Last evaluated: 2018-06-14. Review status: criteria provided, single submitter. Criteria: GeneDx Variant Classification (06012015). Collection method: clinical testing. Allele origin: germline. Affected: yes.
Comment: This variant is considered likely benign or benign based on one or more of the following criteria: it is a conservative change, it occurs at a poorly conserved position in the protein, it is predicted to be benign by multiple in silico algorithms, and/or has population frequency not consistent with disease.